The following is an entry in ClinVar:

NM_020937.4(FANCM):c.5577T>C (p.Asn1859=)

Gene: FANCM (FA complementation group M; plus strand). Cytogenetic location: 14q21.2.
Variant type: single nucleotide variant.
Coding change: c.5577T>C on transcript NM_020937.4 (MANE Select); coding-DNA position 5577, T replaced by C.
Protein change: p.Asn1859=; no amino-acid change (asparagine 1859 retained).
Molecular consequence: synonymous variant.
Genome position (GRCh38, 1-based): chr14:45,196,408, T>C. VCF-style: chr14-45196408-T-C. GRCh37 (hg19) VCF-style: chr14-45665611-T-C.
Other names: c.5577T>C (LRG_502t1, NM_020937.3); c.5499T>C, p.Asn1833= (NM_001308133.2).
Identifiers: ClinVar variation 241325 (VCV000241325.45), dbSNP rs113831595, ClinGen allele CA7170022.

ClinVar aggregate classification (germline): Benign/Likely benign. Review status: criteria provided, multiple submitters, no conflicts (2 of 4 stars). 8 submissions from 8 submitters: Benign (3); Likely benign (4). 1 of the submissions does not count toward it. Last evaluated 2026-02-03.

Conditions:
Premature ovarian failure 15. Identifiers: MedGen C4748170, MONDO:0054862, OMIM 618096.
Inborn genetic diseases. Identifiers: MedGen C0950123, MeSH D030342.
Fanconi anemia (FA). Also called: Fanconi's anemia. Identifiers: Orphanet 84, MedGen C0015625, MeSH D005199, MONDO:0019391.

Allele frequency attached by ClinVar (database versions not stated): gnomAD exomes 0.00030 and 0.00087; ExAC 0.00106; gnomAD 0.00292 and 0.00300; TOPMed 0.00299; ESP Exome Variant Server 0.00331; 1000 Genomes Project 0.00419; 1000 Genomes Project 30x 0.00437.
gnomAD v4.1: 950 of 1,614,138 alleles (0.059%); highest among the groups gnomAD compares: African/African-American, 1.1%; 15 homozygotes.

Submissions (8):

Labcorp Genetics (formerly Invitae), Labcorp
Classification: Benign for Fanconi anemia. Last evaluated: 2026-02-03. Review status: criteria provided, single submitter. Criteria: Invitae Variant Classification Sherloc (09022015). Collection method: clinical testing. Allele origin: germline.

Quest Diagnostics Nichols Institute San Juan Capistrano
Classification: Benign. Last evaluated: 2025-10-01. Review status: criteria provided, single submitter. Criteria: Quest Diagnostics criteria. Collection method: clinical testing. Allele origin: unknown.

Blueprint Genetics
Classification: Likely benign. Last evaluated: 2024-11-27. Review status: criteria provided, single submitter. Criteria: ACMG Guidelines, 2015. Collection method: clinical testing. Allele origin: germline.

Ambry Genetics
Classification: Likely benign for Inborn genetic diseases. Last evaluated: 2024-10-02. Review status: criteria provided, single submitter. Criteria: Ambry Variant Classification Scheme 2023. Collection method: clinical testing. Allele origin: germline.

KCCC/NGS Laboratory, Kuwait Cancer Control Center
Classification: Benign for Premature ovarian failure 15. Last evaluated: 2023-07-07. Review status: criteria provided, single submitter. Criteria: ACMG Guidelines, 2015. Collection method: clinical testing. Allele origin: germline. Affected: yes.

CeGaT Center for Human Genetics Tuebingen
Classification: Likely benign. Last evaluated: 2023-03-01. Review status: criteria provided, single submitter. Criteria: CeGaT Center For Human Genetics Tuebingen Variant Classification Criteria Version 2. Collection method: clinical testing. Allele origin: germline. Affected: yes. Observed: 1 variant allele.
Comment: FANCM: BP4, BS1

GeneDx
Classification: Likely benign. Last evaluated: 2021-09-30. Review status: criteria provided, single submitter. Criteria: GeneDx Variant Classification Process June 2021. Collection method: clinical testing. Allele origin: germline. Affected: yes.

Genetic Services Laboratory, University of Chicago
Classification: Benign. Last evaluated: 2022-09-07. Review status: no assertion criteria provided. Collection method: clinical testing. Allele origin: germline. Affected: no. Not counted in ClinVar's aggregate classification.